The following is an entry in ClinVar:

NM_001164508.2(NEB):c.7096G>C (p.Val2366Leu)

Gene: NEB (nebulin; minus strand). Cytogenetic location: 2q23.3.
Variant type: single nucleotide variant.
Coding change: c.7096G>C on transcript NM_001164508.2 (MANE Select); coding-DNA position 7096, G replaced by C.
Protein change: p.Val2366Leu; replaces valine 2366 with leucine.
Molecular consequence: missense variant.
Genome position (GRCh38, 1-based): chr2:151,650,705, C>G on the plus strand (G>C on the coding strand, the complement: NEB is on the minus strand). VCF-style: chr2-151650705-C-G. GRCh37 (hg19) VCF-style: chr2-152507219-C-G.
Other names: c.7096G>C (NM_004543.4); c.7096G>C, p.Val2366Leu (NM_001164507.2, NM_001271208.2, NM_004543.5); short protein forms V2366L.
Identifiers: ClinVar variation 2045343 (VCV002045343.8), dbSNP rs368471624, ClinGen allele CA1909932.

ClinVar aggregate classification (germline): Conflicting classifications of pathogenicity. Review status: criteria provided, conflicting classifications (1 of 4 stars). 3 submissions from 3 submitters: Uncertain significance (2); Likely benign (1). Last evaluated 2026-01-26.

Conditions:
Nemaline myopathy 2 (NEM2). Also called: Nemaline myopathy 2, autosomal recessive. Identifiers: MedGen C1850569, MONDO:0009725, OMIM 256030.
Inborn genetic diseases. Identifiers: MedGen C0950123, MeSH D030342.

Allele frequency attached by ClinVar (database versions not stated): ExAC 0.00006; ESP Exome Variant Server 0.00008; gnomAD 0.00013.
gnomAD v4.1: 112 of 1,613,964 alleles (0.0069%); highest among the groups gnomAD compares: Middle Eastern, 0.066%; no homozygotes.

Submissions (3):

Labcorp Genetics (formerly Invitae), Labcorp
Classification: Likely benign for Nemaline myopathy 2. Last evaluated: 2026-01-26. Review status: criteria provided, single submitter. Criteria: Invitae Variant Classification Sherloc (09022015). Collection method: clinical testing. Allele origin: germline.

Ambry Genetics
Classification: Uncertain significance for Inborn genetic diseases. Last evaluated: 2025-02-27. Review status: criteria provided, single submitter. Criteria: Ambry Variant Classification Scheme 2023. Collection method: clinical testing. Allele origin: germline.

GeneDx
Classification: Uncertain significance. Last evaluated: 2025-01-09. Review status: criteria provided, single submitter. Criteria: GeneDx Variant Classification Process June 2021. Collection method: clinical testing. Allele origin: germline. Affected: yes.
Comment: In silico analysis indicates that this missense variant does not alter protein structure/function; Has not been previously published as pathogenic or benign to our knowledge